The following is an entry in ClinVar:

ClinVar aggregate classification (germline): Uncertain significance. Review status: criteria provided, multiple submitters, no conflicts (2 of 4 stars). 2 submissions from 2 submitters: Uncertain significance (2). Last evaluated 2026-03-31.

Conditions:
Hereditary breast ovarian cancer syndrome. Also called: Hereditary breast and ovarian cancer syndrome (HBOC); Hereditary breast and ovarian cancer syndrome; Breast and ovarian cancer; Hereditary breast and/or ovarian cancer syndrome; Hereditary breast and ovarian cancer; BRCA1- and BRCA2-Associated Hereditary Breast and Ovarian Cancer. Identifiers: Orphanet 145, MedGen C0677776, MeSH D061325, MONDO:0003582. Disease mechanism: loss of function.
Hereditary cancer-predisposing syndrome. Also called: Hereditary neoplastic syndrome; Neoplastic Syndromes, Hereditary; Tumor predisposition; Hereditary Cancer Syndrome. Identifiers: Orphanet 140162, MedGen C0027672, MeSH D009386, MONDO:0015356.

Submissions (2):

Ambry Genetics
Classification: Uncertain significance for Hereditary cancer-predisposing syndrome. Last evaluated: 2026-03-31. Review status: criteria provided, single submitter. Criteria: Ambry Variant Classification Scheme 2023. Collection method: clinical testing. Allele origin: germline.
Comment: The p.H270Q variant (also known as c.810T>A), located in coding exon 9 of the BRCA1 gene, results from a T to A substitution at nucleotide position 810. The histidine at codon 270 is replaced by glutamine, an amino acid with highly similar properties. This amino acid position is not well conserved in available vertebrate species. In addition, the in silico prediction for this alteration is inconclusive. Based on the available evidence, the clinical significance of this variant remains unclear.

Labcorp Genetics (formerly Invitae), Labcorp
Classification: Uncertain significance for Hereditary breast ovarian cancer syndrome. Last evaluated: 2025-06-25. Review status: criteria provided, single submitter. Criteria: Invitae Variant Classification Sherloc (09022015). Collection method: clinical testing. Allele origin: germline.
Comment: This sequence change replaces histidine, which is basic and polar, with glutamine, which is neutral and polar, at codon 270 of the BRCA1 protein (p.His270Gln). This variant is not present in population databases (gnomAD no frequency). This variant has not been reported in the literature in individuals affected with BRCA1-related conditions. Invitae Evidence Modeling of protein sequence and biophysical properties (such as structural, functional, and spatial information, amino acid conservation, physicochemical variation, residue mobility, and thermodynamic stability) indicates that this missense variant is not expected to disrupt BRCA1 protein function with a negative predictive value of 80%. In summary, the available evidence is currently insufficient to determine the role of this variant in disease. Therefore, it has been classified as a Variant of Uncertain Significance.

NM_007294.4(BRCA1):c.810T>A (p.His270Gln)

Gene: BRCA1 (BRCA1 DNA repair associated; minus strand). Cytogenetic location: 17q21.31.
Variant type: single nucleotide variant.
Coding change: c.810T>A on transcript NM_007294.4 (MANE Select); coding-DNA position 810, T replaced by A.
Protein change: p.His270Gln; replaces histidine 270 with glutamine.
Molecular consequence: missense variant. On other transcripts: 5 prime UTR variant (2), intron variant (137).
Genome position (GRCh38, 1-based): chr17:43,094,721, A>T on the plus strand (T>A on the coding strand, the complement: BRCA1 is on the minus strand). VCF-style: chr17-43094721-A-T. GRCh37 (hg19) VCF-style: chr17-41246738-A-T.
Other names: c.669T>A, p.His223Gln (NM_001407694.1, NM_001407695.1, NM_001407696.1 and 29 more transcripts); c.666T>A, p.His222Gln (NM_001407740.1, NM_001407741.1, NM_001407742.1 and 20 more transcripts); c.606T>A, p.His202Gln (NM_001407875.1, NM_001407874.1); c.600T>A, p.His200Gln (NM_001407879.1, NM_001407881.1, NM_001407882.1 and 13 more transcripts); c.597T>A, p.His199Gln (NM_001407915.1, NM_001407916.1, NM_001407917.1 and 9 more transcripts); c.687T>A, p.His229Gln (NM_001407919.1, NM_001407937.1, NM_001407938.1 and 19 more transcripts); c.543T>A, p.His181Gln (NM_001407930.1, NM_001407931.1, NM_001407932.1 and 2 more transcripts); c.546T>A, p.His182Gln (NM_001407933.1, NM_001407935.1, NM_001407920.1 and 9 more transcripts); and 40 more; short protein forms H102Q, H142Q, H143Q, H158Q, H159Q, H181Q, H182Q, H199Q.
Identifiers: ClinVar variation 4800863 (VCV004800863.2).